The following is an entry in ClinVar:

NM_001330260.2(SCN8A):c.3685C>T (p.Arg1229Cys)

Gene: SCN8A (sodium voltage-gated channel alpha subunit 8; plus strand). Cytogenetic location: 12q13.13.
Variant type: single nucleotide variant.
Coding change: c.3685C>T on transcript NM_001330260.2 (MANE Select); coding-DNA position 3685, C replaced by T.
Protein change: p.Arg1229Cys; replaces arginine 1229 with cysteine.
Molecular consequence: missense variant.
Genome position (GRCh38, 1-based): chr12:51,774,228, C>T. VCF-style: chr12-51774228-C-T. GRCh37 (hg19) VCF-style: chr12-52168012-C-T.
Other names: c.3685C>T, p.Arg1229Cys (NM_001177984.3, NM_001369788.1, NM_014191.4); short protein forms R1229C.
Identifiers: ClinVar variation 2067881 (VCV002067881.5), dbSNP rs773069251, ClinGen allele CA6571665.
Genomic context (GRCh38, chr12:51,774,228, plus strand): 5'-CAGCTGCTGCCTCTCTTTTAGGCCTTCGAGGACATCTACATTGAGCAGAGAAAGACCATC[C>T]GCACCATCCTGGAATATGCTGACAAAGTCTTCACCTATATCTTCATCCTGGAGATGTTGC-3'
Protein context (NP_001317189.1, residues 1219-1239): DIYIEQRKTI[Arg1229Cys]TILEYADKVF

ClinVar aggregate classification (germline): Uncertain significance. Review status: criteria provided, single submitter (1 of 4 stars). 2 submissions from 2 submitters: Uncertain significance (1). 1 of the submissions does not count toward it. Last evaluated 2023-10-18.

Conditions:
Developmental disorder. Identifiers: MedGen C0008073.
Early-infantile DEE. Also called: Early infantile epileptic encephalopathy with suppression bursts; Early infantile epileptic encephalopathy; Ohtahara syndrome. Identifiers: Orphanet 1934, MedGen C0393706, MONDO:0800491.

Allele frequency attached by ClinVar (database versions not stated): gnomAD exomes below 0.00001; TOPMed below 0.00001; ExAC 0.00001; gnomAD 0.00001.
gnomAD v4.1: 7 of 1,613,542 alleles (0.00043%); highest among the groups gnomAD compares: Non-Finnish European, 0.00059%; no homozygotes.

Submissions (2):

Labcorp Genetics (formerly Invitae), Labcorp
Classification: Uncertain significance for Early-infantile DEE. Last evaluated: 2023-10-18. Review status: criteria provided, single submitter. Criteria: Invitae Variant Classification Sherloc (09022015). Collection method: clinical testing. Allele origin: germline.
Comment: This sequence change replaces arginine, which is basic and polar, with cysteine, which is neutral and slightly polar, at codon 1229 of the SCN8A protein (p.Arg1229Cys). This variant is not present in population databases (gnomAD no frequency). This variant has not been reported in the literature in individuals affected with SCN8A-related conditions. ClinVar contains an entry for this variant (Variation ID: 2067881). Advanced modeling of protein sequence and biophysical properties (such as structural, functional, and spatial information, amino acid conservation, physicochemical variation, residue mobility, and thermodynamic stability) performed at Invitae indicates that this missense variant is not expected to disrupt SCN8A protein function. In summary, the available evidence is currently insufficient to determine the role of this variant in disease. Therefore, it has been classified as a Variant of Uncertain Significance.

Clinical Genetics Laboratory, University Hospital Schleswig-Holstein
Classification: Uncertain significance for developmental disorder. Last evaluated: 2022-11-07. Review status: no assertion criteria provided. Collection method: clinical testing. Allele origin: germline. Affected: yes. Not counted in ClinVar's aggregate classification.